The following is an entry in ClinVar:

ClinVar aggregate classification (germline): Uncertain significance (1 of 4 stars; one submission).

Submission:

Ambry Genetics
Classification: Uncertain significance. Last evaluated: 2025-02-08. Review status: criteria provided, single submitter. Criteria: Ambry Variant Classification Scheme 2023. Collection method: clinical testing. Allele origin: germline.
Comment: The p.P2101H variant (also known as c.6302C>A), located in coding exon 27 of the WNK2 gene, results from a C to A substitution at nucleotide position 6302. The proline at codon 2101 is replaced by histidine, an amino acid with similar properties. This amino acid position is conserved. In addition, the in silico prediction for this alteration is inconclusive. Based on the available evidence, the clinical significance of this variant remains unclear.

NM_006648.4(WNK2):c.6302C>A (p.Pro2101His)

Gene: WNK2 (WNK lysine deficient protein kinase 2; plus strand). Cytogenetic location: 9q22.31.
Variant type: single nucleotide variant.
Coding change: c.6302C>A on transcript NM_006648.4 (MANE Select); coding-DNA position 6302, C replaced by A.
Protein change: p.Pro2101His; replaces proline 2101 with histidine.
Molecular consequence: missense variant.
Genome position (GRCh38, 1-based): chr9:93,308,370, C>A. VCF-style: chr9-93308370-C-A. GRCh37 (hg19) VCF-style: chr9-96070652-C-A.
Other names: c.6413C>A, p.Pro2138His (NM_001282394.3); short protein forms P2138H, P2101H.
Identifiers: ClinVar variation 3817030 (VCV003817030.1).